The following is an entry in ClinVar:

NM_006565.4(CTCF):c.1826C>A (p.Ser609Tyr)

Gene: CTCF (CCCTC-binding factor; plus strand). Cytogenetic location: 16q22.1.
Variant type: single nucleotide variant.
Coding change: c.1826C>A on transcript NM_006565.4 (MANE Select); coding-DNA position 1826, C replaced by A.
Protein change: p.Ser609Tyr; replaces serine 609 with tyrosine.
Molecular consequence: missense variant.
Genome position (GRCh38, 1-based): chr16:67,629,522, C>A. VCF-style: chr16-67629522-C-A. GRCh37 (hg19) VCF-style: chr16-67663425-C-A.
Other names: c.842C>A, p.Ser281Tyr (NM_001191022.2); c.1826C>A, p.Ser609Tyr (NM_001363916.2); short protein forms S281Y, S609Y.
Identifiers: ClinVar variation 1031054 (VCV001031054.1), dbSNP rs2052334460, ClinGen allele CA396322121.
Genomic context (GRCh38, chr16:67,629,522, plus strand): 5'-GAGAAACGAAGAAGAGTAAACGTGGAAGAAAAAGAAAGATGCGCTCTAAGAAAGAAGATT[C>A]CTCTGACAGTGGTAAGTGACTTGTTCCTTGATTTGCTTACTATGGCAGGCTTTGGAGCCC-3'
Protein context (NP_006556.1, residues 599-619): KRKMRSKKED[Ser609Tyr]SDSENAEPDL

ClinVar aggregate classification (germline): Uncertain significance (1 of 4 stars; one submission).

Conditions:
CTCF-related neurodevelopmental disorder. Also called: Intellectual disability-feeding difficulties-developmental delay-microcephaly syndrome; INTELLECTUAL DEVELOPMENTAL DISORDER, AUTOSOMAL DOMINANT 21. Identifiers: Orphanet 363611, MedGen C3809686, MONDO:0014213, OMIM 615502.

gnomAD v4.1: 1 of 1,612,618 alleles (0.000062%); highest among the groups gnomAD compares: Non-Finnish European, 0.000085%; no homozygotes.

Submission:

Baylor Genetics
Classification: Uncertain significance for CTCF-related neurodevelopmental disorder. Last evaluated: 2019-08-23. Review status: criteria provided, single submitter. Criteria: ACMG Guidelines, 2015. Collection method: clinical testing. Allele origin: unknown. Affected: yes.
Comment: This variant was determined to be of uncertain significance according to ACMG Guidelines, 2015 [PMID:25741868].